The following is an entry in ClinVar:

NM_000458.4(HNF1B):c.281A>G (p.Glu94Gly)

Gene: HNF1B (HNF1 homeobox B; minus strand). Cytogenetic location: 17q12.
Variant type: single nucleotide variant.
Coding change: c.281A>G on transcript NM_000458.4 (MANE Select); coding-DNA position 281, A replaced by G.
Protein change: p.Glu94Gly; replaces glutamic acid 94 with glycine.
Molecular consequence: missense variant.
Genome position (GRCh38, 1-based): chr17:37,744,604, T>C on the plus strand (A>G on the coding strand, the complement: HNF1B is on the minus strand). VCF-style: chr17-37744604-T-C. GRCh37 (hg19) VCF-style: chr17-36104595-T-C.
Other names: c.281A>G, p.Glu94Gly (NM_001165923.4, NM_001304286.2, NM_001411100.1); short protein forms E94G.
Identifiers: ClinVar variation 2570986 (VCV002570986.27), dbSNP rs2511850235, ClinGen allele CA398753320.

ClinVar aggregate classification (germline): Uncertain significance (1 of 4 stars; one submission).

Allele frequency attached by ClinVar (database versions not stated): gnomAD exomes below 0.00001.

Submission:

CeGaT Center for Human Genetics Tuebingen
Classification: Uncertain significance. Last evaluated: 2023-05-01. Review status: criteria provided, single submitter. Criteria: CeGaT Center For Human Genetics Tuebingen Variant Classification Criteria Version 2. Collection method: clinical testing. Allele origin: germline. Affected: yes. Observed: 1 variant allele.
Comment: HNF1B: PM2